The following is an entry in ClinVar:

NM_015139.3(SLC35D1):c.208C>T (p.Pro70Ser)

Gene: SLC35D1 (solute carrier family 35 member D1; minus strand). Cytogenetic location: 1p31.3.
Variant type: single nucleotide variant.
Coding change: c.208C>T on transcript NM_015139.3 (MANE Select); coding-DNA position 208, C replaced by T.
Protein change: p.Pro70Ser; replaces proline 70 with serine.
Molecular consequence: missense variant.
Genome position (GRCh38, 1-based): chr1:67,052,985, G>A on the plus strand (C>T on the coding strand, the complement: SLC35D1 is on the minus strand). VCF-style: chr1-67052985-G-A. GRCh37 (hg19) VCF-style: chr1-67518668-G-A.
Other names: c.208C>T (NM_015139.2); short protein forms P70S.
Identifiers: ClinVar variation 1353875 (VCV001353875.5), dbSNP rs544752539, ClinGen allele CA899127.

ClinVar aggregate classification (germline): Uncertain significance. Review status: criteria provided, multiple submitters, no conflicts (2 of 4 stars). 3 submissions from 3 submitters: Uncertain significance (3). Last evaluated 2025-09-25.

Conditions:
Inborn genetic diseases. Identifiers: MedGen C0950123, MeSH D030342.
Schneckenbecken dysplasia. Identifiers: Orphanet 3144, MedGen C0432194, MONDO:0010013, OMIM 269250.

Allele frequency attached by ClinVar (database versions not stated): ExAC 0.00002; TOPMed 0.00009; 1000 Genomes Project 30x 0.00047; gnomAD 0.00005 and 0.00004; 1000 Genomes Project 0.00040; gnomAD exomes 0.00001.
gnomAD v4.1: 25 of 1,613,882 alleles (0.0015%); highest among the groups gnomAD compares: Admixed American, 0.028%; no homozygotes.

Submissions (3):

Ambry Genetics
Classification: Uncertain significance for Inborn genetic diseases. Last evaluated: 2025-09-25. Review status: criteria provided, single submitter. Criteria: Ambry Variant Classification Scheme 2023. Collection method: clinical testing. Allele origin: germline.

Labcorp Genetics (formerly Invitae), Labcorp
Classification: Uncertain significance for Schneckenbecken dysplasia. Last evaluated: 2022-09-13. Review status: criteria provided, single submitter. Criteria: Invitae Variant Classification Sherloc (09022015). Collection method: clinical testing. Allele origin: germline.
Comment: This sequence change replaces proline, which is neutral and non-polar, with serine, which is neutral and polar, at codon 70 of the SLC35D1 protein (p.Pro70Ser). This variant is present in population databases (rs544752539, gnomAD 0.006%). This variant has not been reported in the literature in individuals affected with SLC35D1-related conditions. ClinVar contains an entry for this variant (Variation ID: 1353875). Advanced modeling of protein sequence and biophysical properties (such as structural, functional, and spatial information, amino acid conservation, physicochemical variation, residue mobility, and thermodynamic stability) has been performed at Invitae for this missense variant, however the output from this modeling did not meet the statistical confidence thresholds required to predict the impact of this variant on SLC35D1 protein function. In summary, the available evidence is currently insufficient to determine the role of this variant in disease. Therefore, it has been classified as a Variant of Uncertain Significance.

Breakthrough Genomics
Classification: Uncertain significance. Review status: criteria provided, single submitter. Criteria: ACMG Guidelines, 2015. Collection method: not provided. Allele origin: germline. Inheritance: Autosomal recessive inheritance. Affected: yes.